The following is an entry in ClinVar:

NM_020738.4(KIDINS220):c.5166del (p.Thr1723fs)

Gene: KIDINS220 (kinase D interacting substrate 220; minus strand). Cytogenetic location: 2p25.1.
Variant type: Deletion.
Coding change: c.5166del on transcript NM_020738.4 (MANE Select); coding-DNA position 5166, one base deleted (C; older notation c.5166delC).
Protein change: p.Thr1723fs; shifts the reading frame from threonine 1723.
Molecular consequence: frameshift variant. On other transcripts: intron variant (6).
Genome position (GRCh38, 1-based): chr2:8,730,870, G deleted on the plus strand (C on the coding strand, the reverse complement: KIDINS220 is on the minus strand); the first of 2 consecutive G bases (chr2:8,730,870-8,730,871); deleting either gives the same sequence. VCF-style (leftmost placement, unchanged base first): chr2-8730869-TG-T. GRCh37 (hg19) VCF-style: chr2-8870999-TG-T.
Other names: c.5169del, p.Thr1724fs (NM_001348729.2); c.5112del, p.Thr1705fs (NM_001348731.2); c.5109del, p.Thr1704fs (NM_001348732.2); c.4998del, p.Thr1667fs (NM_001348734.2); c.4995del, p.Thr1666fs (NM_001348735.2); c.4869del, p.Thr1624fs (NM_001348736.2); c.3882+2574del (NM_001348741.2, NM_001348742.2, NM_001348743.2); c.3996+2574del (NM_001348738.2); and 1 more; short protein forms T1624fs, T1666fs, T1667fs, T1704fs, T1705fs, T1723fs, T1724fs.
Identifiers: ClinVar variation 1311478 (VCV001311478.2), dbSNP rs2147941071, ClinGen allele CA2573052031.
Genomic context (GRCh38, chr2:8,730,869, plus strand): 5'-TGTAACTTGAACGTTGGCTTCGCTTATGTGTCATGCTTTTTAGATTCTCATTCTGAATAG[TG>T]GTTGGGTTGGGACTGGAACTAGGCCTCAAAATGACTTGAGAAGTCTCCCTAATTCCCTCC-3'

ClinVar aggregate classification (germline): Uncertain significance (1 of 4 stars; one submission).

Submission:

GeneDx
Classification: Uncertain significance. Last evaluated: 2020-01-06. Review status: criteria provided, single submitter. Criteria: GeneDx Variant Classification Process June 2021. Collection method: clinical testing. Allele origin: germline. Affected: yes.
Comment: Not observed in large population cohorts (Lek et al., 2016); Frameshift variant predicted to result in protein truncation as the last 49 amino acids are lost and replaced with 6 incorrect amino acids, although loss-of-function variants have not been reported downstream of this position in the protein; Has not been previously published as pathogenic or benign to our knowledge